The following is an entry in ClinVar:

NM_001267550.2(TTN):c.49049-1G>C

Genes: TTN (titin; minus strand), TTN-AS1 (TTN antisense RNA 1; plus strand), LOC126806426 (BRD4-independent group 4 enhancer GRCh37_chr2:179478848-179480047; plus strand). Cytogenetic location: 2q31.2.
Variant type: single nucleotide variant.
Coding change: c.49049-1G>C on transcript NM_001267550.2 (MANE Select); the canonical splice acceptor site of the intron before coding-DNA position 49049, G replaced by C.
Molecular consequence: splice acceptor variant. On other transcripts: non-coding transcript variant (1).
Genome position (GRCh38, 1-based): chr2:178,614,349, C>G on the plus strand (G>C on the coding strand, the complement: TTN is on the minus strand). VCF-style: chr2-178614349-C-G. GRCh37 (hg19) VCF-style: chr2-179479076-C-G.
Other names: c.21854-1G>C (NM_003319.4); c.22430-1G>C (NM_133437.4); c.22229-1G>C (NM_133432.3); c.41345-1G>C (NM_133378.4); c.44126-1G>C (NM_001256850.1).
Identifiers: ClinVar variation 1495861 (VCV001495861.7), dbSNP rs868064056, ClinGen allele CA349606833.

ClinVar aggregate classification (germline): Conflicting classifications of pathogenicity. Review status: criteria provided, conflicting classifications (1 of 4 stars). 2 submissions from 2 submitters: Likely pathogenic (1); Uncertain significance (1). Last evaluated 2024-10-24.

Conditions:
Cardiovascular phenotype. Identifiers: MedGen CN230736.
Dilated cardiomyopathy 1G (CMD1G). Identifiers: Orphanet 154, MedGen C1858763, MONDO:0011400, OMIM 604145.
Autosomal recessive limb-girdle muscular dystrophy type 2J (LGMDR10). Also called: Limb-girdle muscular dystrophy, type 2J; MUSCULAR DYSTROPHY, LIMB-GIRDLE, AUTOSOMAL RECESSIVE 10. Identifiers: Orphanet 140922, MedGen C1837342, MONDO:0012127, OMIM 608807.

Allele frequency attached by ClinVar (database versions not stated): gnomAD exomes below 0.00001.
gnomAD v4.1: 1 of 1,602,218 alleles (0.000062%); highest among the groups gnomAD compares: Non-Finnish European, 0.000085%; no homozygotes.

Submissions (2):

Labcorp Genetics (formerly Invitae), Labcorp
Classification: Likely pathogenic for Dilated cardiomyopathy 1G; Autosomal recessive limb-girdle muscular dystrophy type 2J. Last evaluated: 2024-10-24. Review status: criteria provided, single submitter. Criteria: Invitae Variant Classification Sherloc (09022015). Collection method: clinical testing. Allele origin: germline.
Comment: This sequence change affects an acceptor splice site in intron 261 of the TTN gene. It is expected to disrupt RNA splicing and likely results in a truncated or disrupted TTN protein. This variant is not present in population databases (gnomAD no frequency). This variant has not been reported in the literature in individuals affected with TTN-related conditions. ClinVar contains an entry for this variant (Variation ID: 1495861). Algorithms developed to predict the effect of sequence changes on RNA splicing suggest that this variant may disrupt the consensus splice site. This variant is located in the A band of TTN (PMID: 25589632). Truncating variants in this region are significantly overrepresented in patients affected with dilated cardiomyopathy (PMID: 25589632). Truncating variants in this region have also been reported in individuals affected with autosomal recessive centronuclear myopathy (PMID: 23975875). In summary, the currently available evidence indicates that the variant is pathogenic, but additional data are needed to prove that conclusively. Therefore, this variant has been classified as Likely Pathogenic.

Ambry Genetics
Classification: Uncertain significance for Cardiovascular phenotype. Last evaluated: 2024-09-06. Review status: criteria provided, single submitter. Criteria: Ambry Variant Classification Scheme 2023. Collection method: clinical testing. Allele origin: germline.
Comment: The c.21854-1G>C intronic variant results from a G to C substitution one nucleotide upstream from coding exon 89 of the TTN gene. Coding exon 89 is located in the A-band region of the N2-B isoform of the titin protein and is constitutively expressed in TTN transcripts (percent spliced in or PSI 100%). This alteration disrupts the canonical splice site and is expected to cause aberrant splicing. In silico splice site analysis predicts that this alteration will weaken the native splice acceptor site and may result in the creation or strengthening of a novel splice acceptor site. However, although direct evidence is unavailable, this alteration is predicted to result in an in-frame transcript that is not expected to trigger nonsense-mediated mRNA decay. The exact functional effect of the predicted splice impact is unknown. This nucleotide position is highly conserved in available vertebrate species. Based on the available evidence, the clinical significance of this variant remains unclear.

Literature cited by the submitters: PubMed 25589632 (cited by Labcorp Genetics (formerly Invitae), Labcorp); PubMed 23975875 (cited by Labcorp Genetics (formerly Invitae), Labcorp).